The following is an entry in ClinVar:

NM_000180.4(GUCY2D):c.418G>A (p.Ala140Thr)

Gene: GUCY2D (guanylate cyclase 2D, retinal; plus strand). Cytogenetic location: 17p13.1.
Variant type: single nucleotide variant.
Coding change: c.418G>A on transcript NM_000180.4 (MANE Select); coding-DNA position 418, G replaced by A.
Protein change: p.Ala140Thr; replaces alanine 140 with threonine.
Molecular consequence: missense variant.
Genome position (GRCh38, 1-based): chr17:8,003,465, G>A. VCF-style: chr17-8003465-G-A. GRCh37 (hg19) VCF-style: chr17-7906783-G-A.
Other names: short protein forms A140T.
Identifiers: ClinVar variation 1009126 (VCV001009126.8), dbSNP rs776276813, ClinGen allele CA8365494.

ClinVar aggregate classification (germline): Uncertain significance (1 of 4 stars; one submission).

Conditions:
Cone-rod dystrophy 6 (CORD6). Also called: RETINAL CONE DYSTROPHY 2; Cone dystrophy progressive. Identifiers: Orphanet 1872, MedGen C1866293, MONDO:0011143, OMIM 601777.
Leber congenital amaurosis 1 (LCA1). Also called: AMAUROSIS CONGENITA OF LEBER I; RETINAL BLINDNESS, CONGENITAL; Congenital absence of the rods and cones; Leber's congenital tapetoretinal degeneration; Leber's congenital tapetoretinal dysplasia. Identifiers: Orphanet 65, MedGen C2931258, MONDO:0008764, OMIM 204000.

Allele frequency attached by ClinVar (database versions not stated): gnomAD below 0.00001 and 0.00001; TOPMed below 0.00001; ExAC 0.00010.

Submission:

Labcorp Genetics (formerly Invitae), Labcorp
Classification: Uncertain significance for Leber congenital amaurosis 1; Cone-rod dystrophy 6. Last evaluated: 2024-07-31. Review status: criteria provided, single submitter. Criteria: Invitae Variant Classification Sherloc (09022015). Collection method: clinical testing. Allele origin: germline.
Comment: This sequence change replaces alanine, which is neutral and non-polar, with threonine, which is neutral and polar, at codon 140 of the GUCY2D protein (p.Ala140Thr). The frequency data for this variant in the population databases is considered unreliable, as metrics indicate poor data quality at this position in the gnomAD database. This variant has not been reported in the literature in individuals affected with GUCY2D-related conditions. ClinVar contains an entry for this variant (Variation ID: 1009126). Advanced modeling of protein sequence and biophysical properties (such as structural, functional, and spatial information, amino acid conservation, physicochemical variation, residue mobility, and thermodynamic stability) performed at Invitae indicates that this missense variant is not expected to disrupt GUCY2D protein function with a negative predictive value of 80%. In summary, the available evidence is currently insufficient to determine the role of this variant in disease. Therefore, it has been classified as a Variant of Uncertain Significance.